The following is an entry in ClinVar:

ClinVar aggregate classification (germline): Uncertain significance (1 of 4 stars; one submission).

Submission:

CeGaT Center for Human Genetics Tuebingen
Classification: Uncertain significance. Last evaluated: 2025-02-01. Review status: criteria provided, single submitter. Criteria: CeGaT Center For Human Genetics Tuebingen Variant Classification Criteria Version 2. Collection method: clinical testing. Allele origin: germline. Affected: yes. Observed: 1 variant allele.
Comment: NOTCH3: PM2, BP5

NM_000435.3(NOTCH3):c.5512A>T (p.Thr1838Ser)

Gene: NOTCH3 (notch receptor 3; minus strand). Cytogenetic location: 19p13.12.
Variant type: single nucleotide variant.
Coding change: c.5512A>T on transcript NM_000435.3 (MANE Select); coding-DNA position 5512, A replaced by T.
Protein change: p.Thr1838Ser; replaces threonine 1838 with serine.
Molecular consequence: missense variant.
Genome position (GRCh38, 1-based): chr19:15,165,942, T>A on the plus strand (A>T on the coding strand, the complement: NOTCH3 is on the minus strand). VCF-style: chr19-15165942-T-A. GRCh37 (hg19) VCF-style: chr19-15276753-T-A.
Other names: short protein forms T1838S.
Identifiers: ClinVar variation 3772479 (VCV003772479.13).